The following is an entry in ClinVar:

ClinVar aggregate classification (germline): Uncertain significance (1 of 4 stars; one submission).

gnomAD v4.1: 2 of 1,614,002 alleles (0.00012%); highest among the groups gnomAD compares: Non-Finnish European, 0.00017%; no homozygotes.

Submission:

Ambry Genetics
Classification: Uncertain significance. Last evaluated: 2024-04-05. Review status: criteria provided, single submitter. Criteria: Ambry Variant Classification Scheme 2023. Collection method: clinical testing. Allele origin: germline.
Comment: The p.A1433V variant (also known as c.4298C>T), located in coding exon 39 of the KIF1B gene, results from a C to T substitution at nucleotide position 4298. The alanine at codon 1433 is replaced by valine, an amino acid with similar properties. This amino acid position is conserved. In addition, the in silico prediction for this alteration is inconclusive. Based on the available evidence, the clinical significance of this variant remains unclear.

NM_001365951.3(KIF1B):c.4436C>T (p.Ala1479Val)

Gene: KIF1B (kinesin family member 1B; plus strand). Cytogenetic location: 1p36.22.
Variant type: single nucleotide variant.
Coding change: c.4436C>T on transcript NM_001365951.3 (MANE Select); coding-DNA position 4436, C replaced by T.
Protein change: p.Ala1479Val; replaces alanine 1479 with valine.
Molecular consequence: missense variant.
Genome position (GRCh38, 1-based): chr1:10,365,169, C>T. VCF-style: chr1-10365169-C-T. GRCh37 (hg19) VCF-style: chr1-10425227-C-T.
Other names: c.4436C>T, p.Ala1479Val (NM_001365952.1); c.4298C>T, p.Ala1433Val (NM_015074.3); short protein forms A1479V, A1433V.
Identifiers: ClinVar variation 3288382 (VCV003288382.1).
Genomic context (GRCh38, chr1:10,365,169, plus strand): 5'-GAAGGAGAAGAAAAATCTTAGATACGTCAGTGGCATATGTGCGGGGAGAAGAGAACTTAG[C>T]AGGCTGGCGGCCCCGTGGAGACAGCCTCATCCTTGAGCACCAGTGGGAGCTGGAGAAGCT-3'
Protein context (NP_001352880.1, residues 1469-1489): VAYVRGEENL[Ala1479Val]GWRPRGDSLI